The following is an entry in ClinVar:

ClinVar aggregate classification (germline): Uncertain significance (1 of 4 stars; one submission).

Conditions:
FG syndrome (FGS). Identifiers: MedGen C0220769, MONDO:0002010.

Submission:

Labcorp Genetics (formerly Invitae), Labcorp
Classification: Uncertain significance for FG syndrome. Last evaluated: 2020-11-24. Review status: criteria provided, single submitter. Criteria: Invitae Variant Classification Sherloc (09022015). Collection method: clinical testing. Allele origin: germline.
Comment: This sequence change replaces glutamine with arginine at codon 1189 of the MED12 protein (p.Gln1189Arg). The glutamine residue is highly conserved and there is a small physicochemical difference between glutamine and arginine. This variant is not present in population databases (ExAC no frequency). This variant has not been reported in the literature in individuals with MED12-related conditions. Advanced modeling of protein sequence and biophysical properties (such as structural, functional, and spatial information, amino acid conservation, physicochemical variation, residue mobility, and thermodynamic stability) performed at Invitae indicates that this missense variant is not expected to disrupt MED12 protein function. In summary, the available evidence is currently insufficient to determine the role of this variant in disease. Therefore, it has been classified as a Variant of Uncertain Significance.

NM_005120.3(MED12):c.3566A>G (p.Gln1189Arg)

Gene: MED12 (mediator complex subunit 12; plus strand). Cytogenetic location: Xq13.1.
Variant type: single nucleotide variant.
Coding change: c.3566A>G on transcript NM_005120.3 (MANE Select); coding-DNA position 3566, A replaced by G.
Protein change: p.Gln1189Arg; replaces glutamine 1189 with arginine.
Molecular consequence: missense variant.
Genome position (GRCh38, 1-based): chrX:71,129,204, A>G. VCF-style: chrX-71129204-A-G. GRCh37 (hg19) VCF-style: chrX-70349054-A-G.
Other names: short protein forms Q1189R.
Identifiers: ClinVar variation 1350726 (VCV001350726.8), dbSNP rs2147804938, ClinGen allele CA413519949.